The following is an entry in ClinVar:

NM_000038.6(APC):c.8463C>G (p.Asp2821Glu)

Gene: APC (APC regulator of Wnt signaling pathway; plus strand). Cytogenetic location: 5q22.2.
Variant type: single nucleotide variant.
Coding change: c.8463C>G on transcript NM_000038.6 (MANE Select); coding-DNA position 8463, C replaced by G.
Protein change: p.Asp2821Glu; replaces aspartic acid 2821 with glutamic acid.
Molecular consequence: missense variant. On other transcripts: non-coding transcript variant (2).
Genome position (GRCh38, 1-based): chr5:112,844,057, C>G. VCF-style: chr5-112844057-C-G. GRCh37 (hg19) VCF-style: chr5-112179754-C-G.
Other names: c.8214C>G, p.Asp2738Glu (NM_001407457.1, NM_001407454.1, NM_001407455.1 and 1 more transcripts); c.8160C>G, p.Asp2720Glu (NM_001407458.1, NM_001407459.1, NM_001407460.1 and 1 more transcripts); c.8076C>G, p.Asp2692Glu (NM_001407467.1, NM_001407469.1); c.7614C>G, p.Asp2538Glu (NM_001407470.1, NM_001354906.2); c.7311C>G, p.Asp2437Glu (NM_001407471.1, NM_001407472.1); c.8463C>G, p.Asp2821Glu (NM_001127510.3, NM_001354895.2, NM_001407450.1); c.8409C>G, p.Asp2803Glu (NM_001127511.3); c.8517C>G, p.Asp2839Glu (NM_001354896.2, NM_001407447.1, NM_001407448.1 and 1 more transcripts); and 11 more; short protein forms D2738E, D2780E, D2831E, D2839E, D2661E, D2793E, D2821E, D2692E.
Identifiers: ClinVar variation 3635531 (VCV003635531.2).
Genomic context (GRCh38, chr5:112,844,057, plus strand): 5'-GCCATCTCAGATCCCAACTCCAGTGAATAACAACACAAAGAAGCGAGATTCCAAAACTGA[C>G]AGCACAGAATCCAGTGGAACCCAAAGTCCTAAGCGCCATTCTGGGTCTTACCTTGTGACA-3'
Protein context (NP_000029.2, residues 2811-2831): NNTKKRDSKT[Asp2821Glu]STESSGTQSP

ClinVar aggregate classification (germline): Uncertain significance (1 of 4 stars; one submission).

Conditions:
Familial adenomatous polyposis 1 (FAP1). Also called: FAMILIAL ADENOMATOUS POLYPOSIS 1, ATTENUATED; POLYPOSIS, ADENOMATOUS INTESTINAL. Identifiers: MedGen C2713442, MONDO:0021056, OMIM 175100. Disease mechanism: loss of function.

Submission:

Labcorp Genetics (formerly Invitae), Labcorp
Classification: Uncertain significance for Familial adenomatous polyposis 1. Last evaluated: 2024-07-21. Review status: criteria provided, single submitter. Criteria: Invitae Variant Classification Sherloc (09022015). Collection method: clinical testing. Allele origin: germline.
Comment: This sequence change replaces aspartic acid, which is acidic and polar, with glutamic acid, which is acidic and polar, at codon 2821 of the APC protein (p.Asp2821Glu). This variant is not present in population databases (gnomAD no frequency). This variant has not been reported in the literature in individuals affected with APC-related conditions. Advanced modeling of protein sequence and biophysical properties (such as structural, functional, and spatial information, amino acid conservation, physicochemical variation, residue mobility, and thermodynamic stability) performed at Invitae indicates that this missense variant is not expected to disrupt APC protein function with a negative predictive value of 95%. In summary, the available evidence is currently insufficient to determine the role of this variant in disease. Therefore, it has been classified as a Variant of Uncertain Significance.